The following is an entry in ClinVar:

ClinVar aggregate classification (germline): Uncertain significance. Review status: criteria provided, multiple submitters, no conflicts (2 of 4 stars). 3 submissions from 3 submitters: Uncertain significance (3). Last evaluated 2024-11-21.

Conditions:
Hereditary cancer-predisposing syndrome. Also called: Hereditary neoplastic syndrome; Neoplastic Syndromes, Hereditary; Tumor predisposition; Hereditary Cancer Syndrome. Identifiers: Orphanet 140162, MedGen C0027672, MeSH D009386, MONDO:0015356.
Familial adenomatous polyposis 1 (FAP1). Also called: FAMILIAL ADENOMATOUS POLYPOSIS 1, ATTENUATED; POLYPOSIS, ADENOMATOUS INTESTINAL. Identifiers: MedGen C2713442, MONDO:0021056, OMIM 175100. Disease mechanism: loss of function.

Allele frequency attached by ClinVar (database versions not stated): gnomAD exomes below 0.00001; TOPMed below 0.00001; gnomAD 0.00001.
gnomAD v4.1: 1 of 1,613,746 alleles (0.000062%); highest among the groups gnomAD compares: African/African-American, 0.0013%; no homozygotes.

Submissions (3):

Ambry Genetics
Classification: Uncertain significance for Hereditary cancer-predisposing syndrome. Last evaluated: 2024-11-21. Review status: criteria provided, single submitter. Criteria: Ambry Variant Classification Scheme 2023. Collection method: clinical testing. Allele origin: germline.
Comment: The p.S2093F variant (also known as c.6278C>T), located in coding exon 15 of the APC gene, results from a C to T substitution at nucleotide position 6278. The serine at codon 2093 is replaced by phenylalanine, an amino acid with highly dissimilar properties. This amino acid position is highly conserved in available vertebrate species. In addition, in silico predictors for this gene do not accurately predict pathogenicity. Missense alterations in APC are not a common cause of disease (Spier I et al. Genet Med. 2024 Feb;26(2):100992). Based on the available evidence, the clinical significance of this variant remains unclear.

Labcorp Genetics (formerly Invitae), Labcorp
Classification: Uncertain significance for Familial adenomatous polyposis 1. Last evaluated: 2024-07-30. Review status: criteria provided, single submitter. Criteria: Invitae Variant Classification Sherloc (09022015). Collection method: clinical testing. Allele origin: germline.
Comment: This sequence change replaces serine, which is neutral and polar, with phenylalanine, which is neutral and non-polar, at codon 2093 of the APC protein (p.Ser2093Phe). This variant is not present in population databases (gnomAD no frequency). This variant has not been reported in the literature in individuals affected with APC-related conditions. ClinVar contains an entry for this variant (Variation ID: 246238). Advanced modeling of protein sequence and biophysical properties (such as structural, functional, and spatial information, amino acid conservation, physicochemical variation, residue mobility, and thermodynamic stability) performed at Invitae indicates that this missense variant is not expected to disrupt APC protein function with a negative predictive value of 95%. In summary, the available evidence is currently insufficient to determine the role of this variant in disease. Therefore, it has been classified as a Variant of Uncertain Significance.

GeneDx
Classification: Uncertain significance. Last evaluated: 2015-12-16. Review status: criteria provided, single submitter. Criteria: GeneDx Variant Classification (06012015). Collection method: clinical testing. Allele origin: germline. Affected: yes.
Comment: This variant is denoted APC c.6278C>T at the cDNA level, p.Ser2093Phe (S2093F) at the protein level, and results in the change of a Serine to a Phenylalanine (TCC>TTC). This variant has not, to our knowledge, been published in the literature as pathogenic or benign. APC Ser2093Phe was not observed in approximately 6,500 individuals of European and African American ancestry in the NHLBI Exome Sequencing Project, suggesting it is not a common benign variant in these populations. Since Serine and Phenylalanine differ in polarity, charge, size or other properties, this is considered a non-conservative amino acid substitution. APC Ser2093Phe occurs at a position that is conserved across species and is not located in a known functional domain (Azzopardi 2008). In silico analyses predict that this variant is probably damaging to protein structure and function. Based on currently available evidence, it is unclear whether APC Ser2093Phe is a pathogenic or benign variant. We consider it to be a variant of uncertain significance.

NM_000038.6(APC):c.6278C>T (p.Ser2093Phe)

Gene: APC (APC regulator of Wnt signaling pathway; plus strand). Cytogenetic location: 5q22.2.
Variant type: single nucleotide variant.
Coding change: c.6278C>T on transcript NM_000038.6 (MANE Select); coding-DNA position 6278, C replaced by T.
Protein change: p.Ser2093Phe; replaces serine 2093 with phenylalanine.
Molecular consequence: missense variant.
Genome position (GRCh38, 1-based): chr5:112,841,872, C>T. VCF-style: chr5-112841872-C-T. GRCh37 (hg19) VCF-style: chr5-112177569-C-T.
Other names: c.6278C>T, p.Ser2093Phe (NM_001127510.3, NM_001354895.2); c.6224C>T, p.Ser2075Phe (NM_001127511.3); c.6332C>T, p.Ser2111Phe (NM_001354896.2); c.6308C>T, p.Ser2103Phe (NM_001354897.2); c.6203C>T, p.Ser2068Phe (NM_001354898.2); c.6194C>T, p.Ser2065Phe (NM_001354899.2); c.6155C>T, p.Ser2052Phe (NM_001354900.2); c.6101C>T, p.Ser2034Phe (NM_001354901.2); and 5 more; short protein forms S2075F, S2093F, S1810F, S2052F, S2111F, S1992F, S2002F, S2034F.
Identifiers: ClinVar variation 246238 (VCV000246238.14), dbSNP rs879254172, ClinGen allele CA10584261.
Genomic context (GRCh38, chr5:112,841,872, plus strand): 5'-GTGAAGATCTGACACTTGATTTGAAAGATATACAGAGACCAGATTCAGAACATGGTCTAT[C>T]CCCTGATTCAGAAAATTTTGATTGGAAAGCTATTCAGGAAGGTGCAAATTCCATAGTAAG-3'
Protein context (NP_000029.2, residues 2083-2103): IQRPDSEHGL[Ser2093Phe]PDSENFDWKA